The following is an entry in ClinVar:

NM_001244008.2(KIF1A):c.1685-1G>C

Gene: KIF1A (kinesin family member 1A; minus strand). Cytogenetic location: 2q37.3.
Variant type: single nucleotide variant.
Coding change: c.1685-1G>C on transcript NM_001244008.2 (MANE Select); the canonical splice acceptor site of the intron before coding-DNA position 1685, G replaced by C.
Molecular consequence: splice acceptor variant.
Genome position (GRCh38, 1-based): chr2:240,765,794, C>G on the plus strand (G>C on the coding strand, the complement: KIF1A is on the minus strand). VCF-style: chr2-240765794-C-G. GRCh37 (hg19) VCF-style: chr2-241705211-C-G.
Other names: c.1658-1G>C (NM_001379653.1, NM_001379650.1, NM_001379645.1 and 10 more transcripts); c.1760-1G>C (NM_001379635.1, NM_001330290.2, NM_001379646.1 and 2 more transcripts); c.1733-1G>C (NM_001379637.1, NM_001379648.1); c.1685-1G>C (NM_001320705.2, NM_001379638.1, NM_001330289.2).
Identifiers: ClinVar variation 3383435 (VCV003383435.2).

ClinVar aggregate classification (germline): Pathogenic (1 of 4 stars; one submission).

Submission:

Centre of Medical Genetics, University Hospital Muenster
Classification: Pathogenic. Last evaluated: 2024-10-03. Review status: criteria provided, single submitter. Criteria: ACMG Guidelines, 2015. Collection method: clinical testing. Allele origin: unknown. Affected: yes. Observed: 1 variant allele, 1 heterozygote.
Comment: ACMG categories: PVS1,PM2